The following is an entry in ClinVar:

ClinVar aggregate classification (germline): Benign/Likely benign. Review status: criteria provided, multiple submitters, no conflicts (2 of 4 stars). 3 submissions from 3 submitters: Benign (1); Likely benign (1). 1 of the submissions does not count toward it. Last evaluated 2025-12-01.

Conditions:
IRAK4-related disorder. Also called: IRAK4-related condition.
Immunodeficiency 67. Also called: Immunodeficiency due to interleukin-1 receptor-associated kinase-4 deficiency. Identifiers: Orphanet 70592, MedGen C1843256, MONDO:0011888, OMIM 607676.

Allele frequency attached by ClinVar (database versions not stated): gnomAD exomes 0.00007 and 0.00026; ExAC 0.00035; gnomAD 0.00078 and 0.00083; TOPMed 0.00095; ESP Exome Variant Server 0.00115; 1000 Genomes Project 30x 0.00141; 1000 Genomes Project 0.00160.
gnomAD v4.1: 230 of 1,612,908 alleles (0.014%); highest among the groups gnomAD compares: African/African-American, 0.27%; 1 homozygote.

Submissions (3):

Labcorp Genetics (formerly Invitae), Labcorp
Classification: Benign for Immunodeficiency 67. Last evaluated: 2025-12-01. Review status: criteria provided, single submitter. Criteria: Invitae Variant Classification Sherloc (09022015). Collection method: clinical testing. Allele origin: germline.

Blueprint Genetics
Classification: Likely benign. Last evaluated: 2024-11-25. Review status: criteria provided, single submitter. Criteria: ACMG Guidelines, 2015. Collection method: clinical testing. Allele origin: germline.

PreventionGenetics, part of Exact Sciences
Classification: Likely benign for IRAK4-related condition. Last evaluated: 2024-02-26. Review status: no assertion criteria provided. Collection method: clinical testing. Allele origin: germline. Not counted in ClinVar's aggregate classification.
Comment: This variant is classified as likely benign based on ACMG/AMP sequence variant interpretation guidelines (Richards et al. 2015 PMID: 25741868, with internal and published modifications).

NM_016123.4(IRAK4):c.117T>A (p.Ile39=)

Gene: IRAK4 (interleukin 1 receptor associated kinase 4; plus strand). Cytogenetic location: 12q12.
Variant type: single nucleotide variant.
Coding change: c.117T>A on transcript NM_016123.4 (MANE Select); coding-DNA position 117, T replaced by A.
Protein change: p.Ile39=; no amino-acid change (isoleucine 39 retained).
Molecular consequence: synonymous variant. On other transcripts: 5 prime UTR variant (8), intron variant (2).
Genome position (GRCh38, 1-based): chr12:43,768,228, T>A. VCF-style: chr12-43768228-T-A. GRCh37 (hg19) VCF-style: chr12-44162031-T-A.
Other names: c.117T>A, p.Ile39= (NM_001114182.3, NM_001351345.2); c.-110T>A (NM_001145256.2, NM_001145257.2, NM_001351338.2); c.-323T>A (NM_001351339.2, NM_001351340.2, NM_001351341.2); c.-261T>A (NM_001351343.2, NM_001351344.2); c.-278-2810T>A (NM_001351342.2); c.-65-3952T>A (NM_001145258.2).
Identifiers: ClinVar variation 712908 (VCV000712908.14), dbSNP rs141039652, ClinGen allele CA6522278.
Genomic context (GRCh38, chr12:43,768,228, plus strand): 5'-TAGGAAGCTGTCAGATTTTATTGATCCTCAAGAAGGATGGAAGAAGTTAGCTGTAGCTAT[T>A]AAAAAACCATCTGGTGATGATAGATACAATCAGTTTCACATAAGGTAACAGATAAAATTC-3'
Protein context (NP_057207.2, residues 29-49): QEGWKKLAVA[Ile39=]KKPSGDDRYN